The following is an entry in ClinVar:

NM_025233.7(COASY):c.444C>G (p.Ala148=)

Gene: COASY (Coenzyme A synthase; plus strand). Cytogenetic location: 17q21.2.
Variant type: single nucleotide variant.
Coding change: c.444C>G on transcript NM_025233.7 (MANE Select); coding-DNA position 444, C replaced by G.
Protein change: p.Ala148=; no amino-acid change (alanine 148 retained).
Molecular consequence: synonymous variant.
Genome position (GRCh38, 1-based): chr17:42,563,066, C>G. VCF-style: chr17-42563066-C-G. GRCh37 (hg19) VCF-style: chr17-40715084-C-G.
Other names: c.444C>G, p.Ala148= (NM_001042529.3); c.531C>G, p.Ala177= (NM_001042532.4).
Identifiers: ClinVar variation 774997 (VCV000774997.48), dbSNP rs142297801, ClinGen allele CA8577983.

ClinVar aggregate classification (germline): Likely benign. Review status: criteria provided, multiple submitters, no conflicts (2 of 4 stars). 4 submissions from 4 submitters: Likely benign (4). Last evaluated 2026-08-09.

Conditions:
COASY-related disorder. Also called: COASY-related condition.
Neurodegeneration with brain iron accumulation 6 (NBIA6). Also called: COASY protein-associated neurodegeneration. Identifiers: Orphanet 397725, MedGen C4517377, MONDO:0014290, OMIM 615643.

Allele frequency attached by ClinVar (database versions not stated): ESP Exome Variant Server 0.00008; 1000 Genomes Project 30x 0.00016; gnomAD 0.00016; 1000 Genomes Project 0.00020; TOPMed 0.00033; gnomAD exomes 0.00039; ExAC 0.00045.
gnomAD v4.1: 335 of 1,614,160 alleles (0.021%); highest among the groups gnomAD compares: Middle Eastern, 0.33%; no homozygotes.

Submissions (4):

PreventionGenetics, part of Exact Sciences
Classification: Likely benign for COASY-related condition. Last evaluated: 2026-08-09. Review status: criteria provided, single submitter. Criteria: ACMG Guidelines, 2015. Collection method: clinical testing. Allele origin: germline.
Comment: This variant is classified as likely benign based on ACMG/AMP sequence variant interpretation guidelines (Richards et al. 2015 PMID: 25741868, with internal and published modifications).

Labcorp Genetics (formerly Invitae), Labcorp
Classification: Likely benign for Neurodegeneration with brain iron accumulation 6. Last evaluated: 2026-01-19. Review status: criteria provided, single submitter. Criteria: Invitae Variant Classification Sherloc (09022015). Collection method: clinical testing. Allele origin: germline.

CeGaT Center for Human Genetics Tuebingen
Classification: Likely benign. Last evaluated: 2024-07-01. Review status: criteria provided, single submitter. Criteria: CeGaT Center For Human Genetics Tuebingen Variant Classification Criteria Version 2. Collection method: clinical testing. Allele origin: germline. Affected: yes. Observed: 2 variant alleles.
Comment: COASY: BP4, BP7

GeneDx
Classification: Likely benign. Last evaluated: 2020-12-16. Review status: criteria provided, single submitter. Criteria: GeneDx Variant Classification Process June 2021. Collection method: clinical testing. Allele origin: germline. Affected: yes.